The following is an entry in ClinVar:

ClinVar aggregate classification (germline): Uncertain significance (1 of 4 stars; one submission).

Allele frequency attached by ClinVar (database versions not stated): gnomAD exomes below 0.00001.
gnomAD v4.1: 1 of 1,614,180 alleles (0.000062%); highest among the groups gnomAD compares: Non-Finnish European, 0.000085%; no homozygotes.

Submission:

Labcorp Genetics (formerly Invitae), Labcorp
Classification: Uncertain significance. Last evaluated: 2022-12-10. Review status: criteria provided, single submitter. Criteria: Invitae Variant Classification Sherloc (09022015). Collection method: clinical testing. Allele origin: germline.
Comment: This sequence change replaces lysine, which is basic and polar, with glutamic acid, which is acidic and polar, at codon 309 of the MTOR protein (p.Lys309Glu). In summary, the available evidence is currently insufficient to determine the role of this variant in disease. Therefore, it has been classified as a Variant of Uncertain Significance. Advanced modeling of protein sequence and biophysical properties (such as structural, functional, and spatial information, amino acid conservation, physicochemical variation, residue mobility, and thermodynamic stability) performed at Invitae indicates that this missense variant is not expected to disrupt MTOR protein function. This variant has not been reported in the literature in individuals affected with MTOR-related conditions. This variant is not present in population databases (gnomAD no frequency).

NM_004958.4(MTOR):c.925A>G (p.Lys309Glu)

Gene: MTOR (mechanistic target of rapamycin kinase; minus strand). Cytogenetic location: 1p36.22.
Variant type: single nucleotide variant.
Coding change: c.925A>G on transcript NM_004958.4 (MANE Select); coding-DNA position 925, A replaced by G.
Protein change: p.Lys309Glu; replaces lysine 309 with glutamic acid.
Molecular consequence: missense variant. On other transcripts: 5 prime UTR variant (1).
Genome position (GRCh38, 1-based): chr1:11,248,010, T>C on the plus strand (A>G on the coding strand, the complement: MTOR is on the minus strand). VCF-style: chr1-11248010-T-C. GRCh37 (hg19) VCF-style: chr1-11308067-T-C.
Other names: c.925A>G, p.Lys309Glu (NM_001386500.1); c.-215A>G (NM_001386501.1); short protein forms K309E.
Identifiers: ClinVar variation 2819967 (VCV002819967.3), dbSNP rs2523389071, ClinGen allele CA338400378.